The following is an entry in ClinVar:

NM_014946.4(SPAST):c.757dup (p.Met253fs)

Gene: SPAST (spastin; plus strand). Cytogenetic location: 2p22.3.
Variant type: Duplication.
Coding change: c.757dup on transcript NM_014946.4 (MANE Select); coding-DNA position 757, one base duplicated (A; older notation c.757dupA).
Protein change: p.Met253fs; shifts the reading frame from methionine 253.
Molecular consequence: frameshift variant.
Genome position (GRCh38, 1-based): chr2:32,114,712, A duplicated. VCF-style (leftmost placement, unchanged base first): chr2-32114711-T-TA. GRCh37 (hg19) VCF-style: chr2-32339780-T-TA.
Other names: c.754dup, p.Met252fs (NM_001363823.2); c.658dup, p.Met220fs (NM_001363875.2); c.661dup, p.Met221fs (NM_001377959.1, NM_199436.2); c.757dupA (NM_014946.3); c.757dup (NM_014946.3); short protein forms M220fs, M252fs, M253fs, M221fs.
Identifiers: ClinVar variation 1458024 (VCV001458024.9), dbSNP rs2148732951, ClinGen allele CA2573134497.

ClinVar aggregate classification (germline): Pathogenic. Review status: criteria provided, multiple submitters, no conflicts (2 of 4 stars). 4 submissions from 4 submitters: Pathogenic (4). Last evaluated 2026-09-15.

Conditions:
Hereditary spastic paraplegia 4. Also called: Spastic paraplegia 4, autosomal dominant; Spastic Paraplegia 4; Familial spastic paraplegia autosomal dominant 2. Identifiers: Orphanet 100985, MedGen C1866855, MONDO:0008438, OMIM 182601.
SPAST-related disorder. Also called: SPAST-related condition.

Submissions (4):

PreventionGenetics, part of Exact Sciences
Classification: Pathogenic for SPAST-related condition. Last evaluated: 2026-09-15. Review status: criteria provided, single submitter. Criteria: ACMG Guidelines, 2015. Collection method: clinical testing. Allele origin: germline.
Comment: The SPAST c.757dupA variant is predicted to result in a frameshift and premature protein termination (p.Met253Asnfs*13). This variant has been reported in an individual with spastic paraplegia (Reported as 882-883insA in Fonknechten et al. 2000. PubMed ID: 10699187). This variant has not been reported in a large population database (gnomAD), indicating this variant is rare. Frameshift variants in SPAST are expected to be pathogenic. This variant is interpreted as pathogenic.

Athena Diagnostics
Classification: Pathogenic. Last evaluated: 2025-05-09. Review status: criteria provided, single submitter. Criteria: Athena Diagnostics Criteria. Collection method: clinical testing. Allele origin: unknown.
Comment: This variant is expected to result in the loss of a functional protein. This variant has not been reported in large, multi-ethnic general populations. This variant has been identified in at least one individual with clinical features associated with this gene.

Institute of Medical Genetics and Applied Genomics, University Hospital Tübingen
Classification: Pathogenic for Hereditary spastic paraplegia 4. Last evaluated: 2022-12-22. Review status: criteria provided, single submitter. Criteria: ACMG Guidelines, 2015. Collection method: clinical testing. Allele origin: germline. Inheritance: Autosomal dominant inheritance. Affected: yes.

Labcorp Genetics (formerly Invitae), Labcorp
Classification: Pathogenic for Hereditary spastic paraplegia 4. Last evaluated: 2021-07-11. Review status: criteria provided, single submitter. Criteria: Invitae Variant Classification Sherloc (09022015). Collection method: clinical testing. Allele origin: germline.
Comment: This sequence change creates a premature translational stop signal (p.Met253Asnfs*13) in the SPAST gene. It is expected to result in an absent or disrupted protein product. Loss-of-function variants in SPAST are known to be pathogenic (PMID: 20932283). This variant is not present in population databases (ExAC no frequency). This premature translational stop signal has been observed in individual(s) with hereditary spastic paraplegia (PMID: 10699187). This variant is also known as 882-883insA. For these reasons, this variant has been classified as Pathogenic.

Literature cited by the submitters: PubMed 10699187 (cited by Athena Diagnostics and Labcorp Genetics (formerly Invitae), Labcorp); PubMed 20932283 (cited by Labcorp Genetics (formerly Invitae), Labcorp).